The following is an entry in ClinVar:

NM_005051.3(QARS1):c.297G>C (p.Leu99Phe)

Gene: QARS1 (glutaminyl-tRNA synthetase 1; minus strand). Cytogenetic location: 3p21.31.
Variant type: single nucleotide variant.
Coding change: c.297G>C on transcript NM_005051.3 (MANE Select); coding-DNA position 297, G replaced by C.
Protein change: p.Leu99Phe; replaces leucine 99 with phenylalanine.
Molecular consequence: missense variant. On other transcripts: non-coding transcript variant (1).
Genome position (GRCh38, 1-based): chr3:49,103,941, C>G on the plus strand (G>C on the coding strand, the complement: QARS1 is on the minus strand). VCF-style: chr3-49103941-C-G. GRCh37 (hg19) VCF-style: chr3-49141374-C-G.
Other names: c.297G>C (NM_005051.1); c.264G>C, p.Leu88Phe (NM_001272073.2); short protein forms L99F, L88F.
Identifiers: ClinVar variation 426951 (VCV000426951.10), dbSNP rs147794116, ClinGen allele CA2392222.

ClinVar aggregate classification (germline): Uncertain significance. Review status: criteria provided, multiple submitters, no conflicts (2 of 4 stars). 4 submissions from 4 submitters: Uncertain significance (4). Last evaluated 2026-08-04.

Conditions:
Diffuse cerebral and cerebellar atrophy - intractable seizures - progressive microcephaly syndrome. Also called: Microcephaly, progressive, with seizures and cerebral and cerebellar atrophy. Identifiers: Orphanet 404437, MedGen C4014239, MONDO:0014335, OMIM 615760.
Inborn genetic diseases. Identifiers: MedGen C0950123, MeSH D030342.

Allele frequency attached by ClinVar (database versions not stated): gnomAD exomes 0.00003 and 0.00006; TOPMed 0.00003; gnomAD 0.00007 and 0.00006; ESP Exome Variant Server 0.00008; ExAC 0.00003.
gnomAD v4.1: 65 of 1,613,830 alleles (0.004%); highest among the groups gnomAD compares: Admixed American, 0.027%; 1 homozygote.

Submissions (4):

GeneDx
Classification: Uncertain significance. Last evaluated: 2026-08-04. Review status: criteria provided, single submitter. Criteria: GeneDx Variant Classification Process June 2021. Collection method: clinical testing. Allele origin: germline.
Comment: In silico analysis suggests that this missense variant does not alter protein structure/function; Has not been previously published as pathogenic or benign to our knowledge; This variant is associated with the following publications: (PMID: 25471517)

Ambry Genetics
Classification: Uncertain significance for Inborn genetic diseases. Last evaluated: 2024-11-20. Review status: criteria provided, single submitter. Criteria: Ambry Variant Classification Scheme 2023. Collection method: clinical testing. Allele origin: germline.

ARUP Laboratories, Molecular Genetics and Genomics, ARUP Laboratories
Classification: Uncertain significance for Diffuse cerebral and cerebellar atrophy - intractable seizures - progressive microcephaly syndrome. Last evaluated: 2024-10-28. Review status: criteria provided, single submitter. Criteria: ARUP Molecular Germline Variant Investigation Process 2024. Collection method: clinical testing. Allele origin: germline.

Labcorp Genetics (formerly Invitae), Labcorp
Classification: Uncertain significance for Diffuse cerebral and cerebellar atrophy - intractable seizures - progressive microcephaly syndrome. Last evaluated: 2022-10-05. Review status: criteria provided, single submitter. Criteria: Invitae Variant Classification Sherloc (09022015). Collection method: clinical testing. Allele origin: germline.
Comment: This sequence change replaces leucine, which is neutral and non-polar, with phenylalanine, which is neutral and non-polar, at codon 99 of the QARS protein (p.Leu99Phe). This variant is present in population databases (rs147794116, gnomAD 0.02%). This variant has not been reported in the literature in individuals affected with QARS-related conditions. ClinVar contains an entry for this variant (Variation ID: 426951). Advanced modeling of protein sequence and biophysical properties (such as structural, functional, and spatial information, amino acid conservation, physicochemical variation, residue mobility, and thermodynamic stability) has been performed at Invitae for this missense variant, however the output from this modeling did not meet the statistical confidence thresholds required to predict the impact of this variant on QARS protein function. In summary, the available evidence is currently insufficient to determine the role of this variant in disease. Therefore, it has been classified as a Variant of Uncertain Significance.